The following is an entry in ClinVar:

ClinVar aggregate classification (germline): Uncertain significance (1 of 4 stars; one submission).

gnomAD v4.1: 4 of 1,579,644 alleles (0.00025%); highest among the groups gnomAD compares: Admixed American, 0.006%; no homozygotes.

Submission:

Labcorp Genetics (formerly Invitae), Labcorp
Classification: Uncertain significance. Last evaluated: 2025-06-15. Review status: criteria provided, single submitter. Criteria: Invitae Variant Classification Sherloc (09022015). Collection method: clinical testing. Allele origin: germline.
Comment: This sequence change replaces aspartic acid, which is acidic and polar, with glycine, which is neutral and non-polar, at codon 823 of the SETD5 protein (p.Asp823Gly). This variant is not present in population databases (gnomAD no frequency). This variant has not been reported in the literature in individuals affected with SETD5-related conditions. Invitae Evidence Modeling of protein sequence and biophysical properties (such as structural, functional, and spatial information, amino acid conservation, physicochemical variation, residue mobility, and thermodynamic stability) indicates that this missense variant is not expected to disrupt SETD5 protein function with a negative predictive value of 80%. In summary, the available evidence is currently insufficient to determine the role of this variant in disease. Therefore, it has been classified as a Variant of Uncertain Significance.

NM_001080517.3(SETD5):c.2468A>G (p.Asp823Gly)

Gene: SETD5 (SET domain containing 5; plus strand). Cytogenetic location: 3p25.3.
Variant type: single nucleotide variant.
Coding change: c.2468A>G on transcript NM_001080517.3 (MANE Select); coding-DNA position 2468, A replaced by G.
Protein change: p.Asp823Gly; replaces aspartic acid 823 with glycine.
Molecular consequence: missense variant.
Genome position (GRCh38, 1-based): chr3:9,453,860, A>G. VCF-style: chr3-9453860-A-G. GRCh37 (hg19) VCF-style: chr3-9495544-A-G.
Other names: c.2564A>G, p.Asp855Gly (NM_001437633.1); c.2525A>G, p.Asp842Gly (NM_001437635.1); c.2468A>G, p.Asp823Gly (NM_001437643.1); c.2507A>G, p.Asp836Gly (NM_001437701.1); c.2174A>G, p.Asp725Gly (NM_001292043.2, NM_001349451.2); short protein forms D836G, D725G, D842G, D823G, D855G.
Identifiers: ClinVar variation 4700148 (VCV004700148.1).